The following is an entry in ClinVar:

NM_000393.5(COL5A2):c.4382T>G (p.Val1461Gly)

Gene: COL5A2 (collagen type V alpha 2 chain; minus strand). Cytogenetic location: 2q32.2.
Variant type: single nucleotide variant.
Coding change: c.4382T>G on transcript NM_000393.5 (MANE Select); coding-DNA position 4382, T replaced by G.
Protein change: p.Val1461Gly; replaces valine 1461 with glycine.
Molecular consequence: missense variant.
Genome position (GRCh38, 1-based): chr2:189,034,188, A>C on the plus strand (T>G on the coding strand, the complement: COL5A2 is on the minus strand). VCF-style: chr2-189034188-A-C. GRCh37 (hg19) VCF-style: chr2-189898914-A-C.
Other names: short protein forms V1461G.
Identifiers: ClinVar variation 4770186 (VCV004770186.1).

ClinVar aggregate classification (germline): Uncertain significance (1 of 4 stars; one submission).

Conditions:
Ehlers-Danlos syndrome, classic type, 1 (EDSCL1). Also called: EHLERS-DANLOS SYNDROME, GRAVIS TYPE; EHLERS-DANLOS SYNDROME, SEVERE CLASSIC TYPE; Ehlers-Danlos syndrome, type 1; Ehlers-Danlos Syndrome, Classic Type, COL5A1-Related; EDS I. Identifiers: MedGen C0268335, MONDO:0019567, OMIM 130000.

Submission:

Labcorp Genetics (formerly Invitae), Labcorp
Classification: Uncertain significance for Ehlers-Danlos syndrome, classic type, 1. Last evaluated: 2025-05-07. Review status: criteria provided, single submitter. Criteria: Invitae Variant Classification Sherloc (09022015). Collection method: clinical testing. Allele origin: germline.
Comment: This sequence change replaces valine, which is neutral and non-polar, with glycine, which is neutral and non-polar, at codon 1461 of the COL5A2 protein (p.Val1461Gly). This variant is not present in population databases (gnomAD no frequency). This variant has not been reported in the literature in individuals affected with COL5A2-related conditions. Invitae Evidence Modeling of protein sequence and biophysical properties (such as structural, functional, and spatial information, amino acid conservation, physicochemical variation, residue mobility, and thermodynamic stability) indicates that this missense variant is not expected to disrupt COL5A2 protein function with a negative predictive value of 80%. In summary, the available evidence is currently insufficient to determine the role of this variant in disease. Therefore, it has been classified as a Variant of Uncertain Significance.